The following is an entry in ClinVar:

ClinVar aggregate classification (germline): Likely benign (1 of 4 stars; one submission).

Submission:

CeGaT Center for Human Genetics Tuebingen
Classification: Likely benign. Last evaluated: 2022-12-01. Review status: criteria provided, single submitter. Criteria: CeGaT Center For Human Genetics Tuebingen Variant Classification Criteria Version 2. Collection method: clinical testing. Allele origin: germline. Affected: yes. Observed: 2 variant alleles.
Comment: JAG1: BS1

NM_000214.3(JAG1):c.*1531TG[1]

Gene: JAG1 (jagged canonical Notch ligand 1; minus strand). Cytogenetic location: 20p12.2.
Variant type: Microsatellite.
Coding change: c.*1531TG[1] on transcript NM_000214.3 (MANE Select); one copy of the 2-base unit TG starting at c.*1531; the reference has two copies in a row; one copy, 2 bases deleted.
Molecular consequence: 3 prime UTR variant.
Genome position (GRCh38, 1-based): chr20:10,637,964-10,637,965, CA deleted on the plus strand (TG on the coding strand, the reverse complement: JAG1 is on the minus strand); deleting any 2 consecutive bases within chr20:10,637,964-10,637,968 gives the same sequence; the position shown is the placement nearest the transcript's 3' end. VCF-style (leftmost placement, unchanged base first): chr20-10637963-CCA-C. GRCh37 (hg19) VCF-style: chr20-10618611-CCA-C.
Identifiers: ClinVar variation 337716 (VCV000337716.29), dbSNP rs765273169, ClinGen allele CA10652355.